The following is an entry in ClinVar:

NM_198576.4(AGRN):c.5998C>T (p.Pro2000Ser)

Gene: AGRN (agrin; plus strand). Cytogenetic location: 1p36.33.
Variant type: single nucleotide variant.
Coding change: c.5998C>T on transcript NM_198576.4 (MANE Select); coding-DNA position 5998, C replaced by T.
Protein change: p.Pro2000Ser; replaces proline 2000 with serine.
Molecular consequence: missense variant.
Genome position (GRCh38, 1-based): chr1:1,054,841, C>T. VCF-style: chr1-1054841-C-T. GRCh37 (hg19) VCF-style: chr1-990221-C-T.
Other names: c.6067C>T, p.Pro2023Ser (NM_001305275.2); c.5695C>T, p.Pro1899Ser (NM_001364727.2); short protein forms P1899S, P2000S, P2023S.
Identifiers: ClinVar variation 655081 (VCV000655081.6), dbSNP rs745821776, ClinGen allele CA510309.
Genomic context (GRCh38, chr1:1,054,841, plus strand): 5'-TCACTGAGTCACAGCCGGGTGACTCCCACTGTCTGTGCTGCAGGGGGCCTGCCGGAGCTG[C>T]CCGTGGGCCCAGCACTGCCCAAGGCCTACGGCACAGGCTTTGTGGGCTGCTTGCGGGACG-3'
Protein context (NP_940978.2, residues 1990-2010): ALWLGGLPEL[Pro2000Ser]VGPALPKAYG

ClinVar aggregate classification (germline): Uncertain significance. Review status: criteria provided, multiple submitters, no conflicts (2 of 4 stars). 2 submissions from 2 submitters: Uncertain significance (2). Last evaluated 2025-01-18.

Conditions:
Inborn genetic diseases. Identifiers: MedGen C0950123, MeSH D030342.
Congenital myasthenic syndrome 8. Also called: MYASTHENIC SYNDROME, CONGENITAL, DUE TO AGRIN DEFICIENCY; Myasthenic syndrome, congenital, 8, with pre- and postsynaptic defects. Identifiers: Orphanet 590, MedGen C3808739, MONDO:0014052, OMIM 615120.

Allele frequency attached by ClinVar (database versions not stated): gnomAD 0.00003; TOPMed 0.00003; gnomAD exomes 0.00004 and 0.00008; ExAC 0.00016.
gnomAD v4.1: 61 of 1,559,534 alleles (0.0039%); highest among the groups gnomAD compares: Admixed American, 0.021%; no homozygotes.

Submissions (2):

Ambry Genetics
Classification: Uncertain significance for Inborn genetic diseases. Last evaluated: 2025-01-18. Review status: criteria provided, single submitter. Criteria: Ambry Variant Classification Scheme 2023. Collection method: clinical testing. Allele origin: germline.

Labcorp Genetics (formerly Invitae), Labcorp
Classification: Uncertain significance for Congenital myasthenic syndrome 8. Last evaluated: 2023-07-30. Review status: criteria provided, single submitter. Criteria: Invitae Variant Classification Sherloc (09022015). Collection method: clinical testing. Allele origin: germline.
Comment: This sequence change replaces proline, which is neutral and non-polar, with serine, which is neutral and polar, at codon 2000 of the AGRN protein (p.Pro2000Ser). This variant is present in population databases (rs745821776, gnomAD 0.03%). This variant has not been reported in the literature in individuals affected with AGRN-related conditions. ClinVar contains an entry for this variant (Variation ID: 655081). An algorithm developed to predict the effect of missense changes on protein structure and function (PolyPhen-2) suggests that this variant¬†is likely to be tolerated. In summary, the available evidence is currently insufficient to determine the role of this variant in disease. Therefore, it has been classified as a Variant of Uncertain Significance.